The following is an entry in ClinVar:

ClinVar aggregate classification (germline): Uncertain significance. Review status: criteria provided, multiple submitters, no conflicts (2 of 4 stars). 4 submissions from 4 submitters: Uncertain significance (4). Last evaluated 2025-11-20.

Conditions:
Cardioencephalomyopathy, fatal infantile, due to cytochrome c oxidase deficiency 1 (MC4DN2). Also called: CYTOCHROME c OXIDASE DEFICIENCY, FATAL INFANTILE, WITH CARDIOENCEPHALOMYOPATHY; MITOCHONDRIAL COMPLEX IV DEFICIENCY, NUCLEAR TYPE 2. Identifiers: Orphanet 1561, MedGen C5399977, MONDO:0011451, OMIM 604377.
Myopia 6 (MYP6). Identifiers: MedGen C1837148, MONDO:0012154, OMIM 608908.
Inborn genetic diseases. Identifiers: MedGen C0950123, MeSH D030342.

Allele frequency attached by ClinVar (database versions not stated): gnomAD exomes 0.00002 and 0.00006; ExAC 0.00007; TOPMed 0.00022; gnomAD 0.00025 and 0.00026; ESP Exome Variant Server 0.00031; 1000 Genomes Project 30x 0.00047; 1000 Genomes Project 0.00060.

Submissions (4):

Ambry Genetics
Classification: Uncertain significance for Inborn genetic diseases. Last evaluated: 2025-11-20. Review status: criteria provided, single submitter. Criteria: Ambry Variant Classification Scheme 2023. Collection method: clinical testing. Allele origin: germline.

GeneDx
Classification: Uncertain significance. Last evaluated: 2023-04-16. Review status: criteria provided, single submitter. Criteria: GeneDx Variant Classification Process June 2021. Collection method: clinical testing. Allele origin: germline. Affected: yes.
Comment: In silico analysis supports that this missense variant does not alter protein structure/function; Has not been previously published as pathogenic or benign to our knowledge

Labcorp Genetics (formerly Invitae), Labcorp
Classification: Uncertain significance. Last evaluated: 2021-11-27. Review status: criteria provided, single submitter. Criteria: Invitae Variant Classification Sherloc (09022015). Collection method: clinical testing. Allele origin: germline.
Comment: This sequence change replaces methionine, which is neutral and non-polar, with isoleucine, which is neutral and non-polar, at codon 126 of the SCO2 protein (p.Met126Ile). This variant is present in population databases (rs150880212, gnomAD 0.08%). This variant has not been reported in the literature in individuals affected with SCO2-related conditions. ClinVar contains an entry for this variant (Variation ID: 215127). Algorithms developed to predict the effect of missense changes on protein structure and function output the following: SIFT: "Tolerated"; PolyPhen-2: "Benign"; Align-GVGD: "Class C0". The isoleucine amino acid residue is found in multiple mammalian species, which suggests that this missense change does not adversely affect protein function. In summary, the available evidence is currently insufficient to determine the role of this variant in disease. Therefore, it has been classified as a Variant of Uncertain Significance.

Fulgent Genetics
Classification: Uncertain significance for Cardioencephalomyopathy, fatal infantile, due to cytochrome c oxidase deficiency 1; Myopia 6. Last evaluated: 2018-10-31. Review status: criteria provided, single submitter. Criteria: ACMG Guidelines, 2015. Collection method: clinical testing. Allele origin: unknown.

NM_005138.3(SCO2):c.378G>A (p.Met126Ile)

Genes: NCAPH2 (non-SMC condensin II complex subunit H2; plus strand), SCO2 (synthesis of cytochrome C oxidase 2; minus strand). Cytogenetic location: 22q13.33.
Variant type: single nucleotide variant.
Coding change: c.378G>A on transcript NM_005138.3 (MANE Select); coding-DNA position 378, G replaced by A.
Protein change: p.Met126Ile; replaces methionine 126 with isoleucine.
Molecular consequence: missense variant. On other transcripts: 3 prime UTR variant (2).
Genome position (GRCh38, 1-based): chr22:50,524,034, C>T on the plus strand (G>A on the coding strand, the complement: SCO2 is on the minus strand). VCF-style: chr22-50524034-C-T. GRCh37 (hg19) VCF-style: chr22-50962463-C-T.
Other names: c.*659C>T (NM_001185011.2, NM_152299.4); c.378G>A, p.Met126Ile (NM_001169109.2, NM_001169110.1, NM_001169111.2); short protein forms M126I.
Identifiers: ClinVar variation 215127 (VCV000215127.7), dbSNP rs150880212, ClinGen allele CA322189.